The following is an entry in ClinVar:

NM_001040108.2(MLH3):c.3029A>G (p.Glu1010Gly)

Gene: MLH3 (mutL homolog 3; minus strand). Cytogenetic location: 14q24.3.
Variant type: single nucleotide variant.
Coding change: c.3029A>G on transcript NM_001040108.2 (MANE Select); coding-DNA position 3029, A replaced by G.
Protein change: p.Glu1010Gly; replaces glutamic acid 1010 with glycine.
Molecular consequence: missense variant.
Genome position (GRCh38, 1-based): chr14:75,046,627, T>C on the plus strand (A>G on the coding strand, the complement: MLH3 is on the minus strand). VCF-style: chr14-75046627-T-C. GRCh37 (hg19) VCF-style: chr14-75513330-T-C.
Other names: c.3029A>G, p.Glu1010Gly (NM_014381.3); short protein forms E1010G.
Identifiers: ClinVar variation 478033 (VCV000478033.13), dbSNP rs1555344919, ClinGen allele CA390436829.
Genomic context (GRCh38, chr14:75,046,627, plus strand): 5'-GCTCTTGCTTTAGATTCCTCACTCTGAAAACAAATTCCATTTTGGTCACCTGTGGCATCT[T>C]CTACCGGATTCATTAACATTCCACTGGGAGAGTCAAGACTTCCTATCTGTTGTTCTGAGG-3'
Protein context (NP_001035197.1, residues 1000-1020): SPSGMLMNPV[Glu1010Gly]DATGDQNGIC

ClinVar aggregate classification (germline): Uncertain significance. Review status: criteria provided, multiple submitters, no conflicts (2 of 4 stars). 2 submissions from 2 submitters: Uncertain significance (2). Last evaluated 2025-02-17.

Conditions:
Colorectal cancer, hereditary nonpolyposis, type 7. Identifiers: Orphanet 144, MedGen C1858380, MONDO:0013725, OMIM 614385.

Submissions (2):

Labcorp Genetics (formerly Invitae), Labcorp
Classification: Uncertain significance for Colorectal cancer, hereditary nonpolyposis, type 7. Last evaluated: 2025-02-17. Review status: criteria provided, single submitter. Criteria: Invitae Variant Classification Sherloc (09022015). Collection method: clinical testing. Allele origin: germline.
Comment: This sequence change replaces glutamic acid, which is acidic and polar, with glycine, which is neutral and non-polar, at codon 1010 of the MLH3 protein (p.Glu1010Gly). This variant is not present in population databases (gnomAD no frequency). This variant has not been reported in the literature in individuals affected with MLH3-related conditions. ClinVar contains an entry for this variant (Variation ID: 478033). An algorithm developed to predict the effect of missense changes on protein structure and function (PolyPhen-2) suggests that this variant is likely to be tolerated. In summary, the available evidence is currently insufficient to determine the role of this variant in disease. Therefore, it has been classified as a Variant of Uncertain Significance.

Ambry Genetics
Classification: Uncertain significance. Last evaluated: 2022-07-08. Review status: criteria provided, single submitter. Criteria: Ambry Variant Classification Scheme 2023. Collection method: clinical testing. Allele origin: germline.
Comment: The p.E1010G variant (also known as c.3029A>G), located in coding exon 1 of the MLH3 gene, results from an A to G substitution at nucleotide position 3029. The glutamic acid at codon 1010 is replaced by glycine, an amino acid with similar properties. This amino acid position is conserved. In addition, this alteration is predicted to be tolerated by in silico analysis. Since supporting evidence is limited at this time, the clinical significance of this alteration remains unclear.